The following is an entry in ClinVar:

ClinVar aggregate classification (germline): Pathogenic (0 of 4 stars; one submission).

Conditions:
Alkaptonuria (AKU). Also called: Alkaptonuric ochronosis; Homogentisic acidura; HOMOGENTISIC ACID OXIDASE DEFICIENCY; Alcaptonuria. Identifiers: Orphanet 56, MedGen C0002066, MONDO:0008753, OMIM 203500.

Submission:

Department Of Human Genetics, Institute Of Clinical And Translational Research, Biomedical Research Center, Slovak Academy Of Sciences
Classification: Pathogenic for Alkaptonuria. Review status: no assertion criteria provided. Collection method: research. Allele origin: germline. Inheritance: Autosomal recessive inheritance. Affected: yes. Observed: 2 variant alleles.
Comment: The variant was originally described in PMID:30737480. It has been submitted to the HGD gene mutation database (DB-ID: AKU_00178).

Literature cited by the submitters: PubMed 30737480.

NM_000187.4(HGD):c.1115_1117del (p.Gly372_Pro373delinsAla)

Gene: HGD (homogentisate 1,2-dioxygenase; minus strand). Cytogenetic location: 3q13.33.
Variant type: Deletion.
Coding change: c.1115_1117del on transcript NM_000187.4 (MANE Select); coding-DNA positions 1115 to 1117, 3 bases deleted (GAC; older notation c.1115_1117delGAC).
Protein change: p.Gly372_Pro373delinsAla.
Molecular consequence: inframe indel.
Genome position (GRCh38, 1-based): chr3:120,633,218-120,633,220, GTC deleted on the plus strand (GAC on the coding strand, the reverse complement: HGD is on the minus strand). VCF-style (leftmost placement, unchanged base first): chr3-120633217-GGTC-G. GRCh37 (hg19) VCF-style: chr3-120352064-GGTC-G.
Identifiers: ClinVar variation 2584694 (VCV002584694.2), dbSNP rs2472651997, ClinGen allele CA2582342872.
Genomic context (GRCh38, chr3:120,633,217, plus strand): 5'-TCGGCAATCCTCTCAGGTGCCAGCTTGACCTTGCTGGCCTTCTCAAAGCAGTCAGCATCA[GGTC>G]CATGGGGGGTCATTGTGCTGTGTAGACTCCCTCCCCCTGGCAGGAACCCACCTTGCTTTG-3'